The following is an entry in ClinVar:

ClinVar aggregate classification (germline): Uncertain significance (1 of 4 stars; one submission).

Allele frequency attached by ClinVar (database versions not stated): gnomAD 0.00001 and 0.00003; TOPMed 0.00001; gnomAD exomes 0.00005 and 0.00006; ExAC 0.00009; 1000 Genomes Project 30x 0.00016; 1000 Genomes Project 0.00020.
gnomAD v4.1: 75 of 1,551,814 alleles (0.0048%); highest among the groups gnomAD compares: South Asian, 0.032%; no homozygotes.

Submission:

Labcorp Genetics (formerly Invitae), Labcorp
Classification: Uncertain significance. Last evaluated: 2022-02-10. Review status: criteria provided, single submitter. Criteria: Invitae Variant Classification Sherloc (09022015). Collection method: clinical testing. Allele origin: germline.
Comment: In summary, the available evidence is currently insufficient to determine the role of this variant in disease. Therefore, it has been classified as a Variant of Uncertain Significance. Algorithms developed to predict the effect of sequence changes on RNA splicing suggest that this variant may disrupt the consensus splice site. ClinVar contains an entry for this variant (Variation ID: 1040457). This variant has not been reported in the literature in individuals affected with KPNA7-related conditions. This variant is present in population databases (rs193289322, gnomAD 0.03%). This sequence change affects codon 378 of the KPNA7 mRNA. It is a 'silent' change, meaning that it does not change the encoded amino acid sequence of the KPNA7 protein. It affects a nucleotide within the consensus splice site.

NM_001145715.3(KPNA7):c.1134C>T (p.Asn378=)

Gene: KPNA7 (karyopherin subunit alpha 7; minus strand). Cytogenetic location: 7q22.1.
Variant type: single nucleotide variant.
Coding change: c.1134C>T on transcript NM_001145715.3 (MANE Select); coding-DNA position 1134, C replaced by T.
Protein change: p.Asn378=; no amino-acid change (asparagine 378 retained).
Molecular consequence: synonymous variant.
Genome position (GRCh38, 1-based): chr7:99,184,929, G>A on the plus strand (C>T on the coding strand, the complement: KPNA7 is on the minus strand). VCF-style: chr7-99184929-G-A. GRCh37 (hg19) VCF-style: chr7-98782552-G-A.
Identifiers: ClinVar variation 1040457 (VCV001040457.5), dbSNP rs193289322, ClinGen allele CA4363140.